The following is an entry in ClinVar:

ClinVar aggregate classification (germline): Uncertain significance. Review status: criteria provided, multiple submitters, no conflicts (2 of 4 stars). 2 submissions from 2 submitters: Uncertain significance (2). Last evaluated 2024-10-28.

Conditions:
Alpha thalassemia-X-linked intellectual disability syndrome (ATRX). Also called: ALPHA-THALASSEMIA/MENTAL RETARDATION SYNDROME, X-LINKED; ATR, NONDELETION TYPE; ATR-X syndrome; Alpha thalassemia mental retardation syndrome, nondeletion type, X-linked; XLMR hypotonic face syndrome; X-linked alpha-thalassemia-mental retardation syndrome. Identifiers: Orphanet 847, MedGen C1845055, MONDO:0010519, OMIM 301040.

Submissions (2):

Labcorp Genetics (formerly Invitae), Labcorp
Classification: Uncertain significance for Alpha thalassemia-X-linked intellectual disability syndrome. Last evaluated: 2024-10-28. Review status: criteria provided, single submitter. Criteria: Invitae Variant Classification Sherloc (09022015). Collection method: clinical testing. Allele origin: germline.
Comment: This sequence change replaces aspartic acid, which is acidic and polar, with histidine, which is basic and polar, at codon 775 of the ATRX protein (p.Asp775His). This variant is not present in population databases (gnomAD no frequency). This variant has not been reported in the literature in individuals affected with ATRX-related conditions. ClinVar contains an entry for this variant (Variation ID: 1028788). Invitae Evidence Modeling of protein sequence and biophysical properties (such as structural, functional, and spatial information, amino acid conservation, physicochemical variation, residue mobility, and thermodynamic stability) indicates that this missense variant is not expected to disrupt ATRX protein function with a negative predictive value of 95%. In summary, the available evidence is currently insufficient to determine the role of this variant in disease. Therefore, it has been classified as a Variant of Uncertain Significance.

Baylor Genetics
Classification: Uncertain significance for Alpha thalassemia-X-linked intellectual disability syndrome. Last evaluated: 2019-12-17. Review status: criteria provided, single submitter. Criteria: ACMG Guidelines, 2015. Collection method: clinical testing. Allele origin: unknown. Affected: yes.
Comment: This variant was determined to be of uncertain significance according to ACMG Guidelines, 2015 [PMID:25741868].

NM_000489.6(ATRX):c.2323G>C (p.Asp775His)

Gene: ATRX (ATRX chromatin remodeler; minus strand). Cytogenetic location: Xq21.1.
Variant type: single nucleotide variant.
Coding change: c.2323G>C on transcript NM_000489.6 (MANE Select); coding-DNA position 2323, G replaced by C.
Protein change: p.Asp775His; replaces aspartic acid 775 with histidine.
Molecular consequence: missense variant.
Genome position (GRCh38, 1-based): chrX:77,682,933, C>G on the plus strand (G>C on the coding strand, the complement: ATRX is on the minus strand). VCF-style: chrX-77682933-C-G. GRCh37 (hg19) VCF-style: chrX-76938425-C-G.
Other names: c.2209G>C, p.Asp737His (NM_138270.5); short protein forms D737H, D775H.
Identifiers: ClinVar variation 1028788 (VCV001028788.7), dbSNP rs2071322741, ClinGen allele CA413712675.